The following is an entry in ClinVar:

ClinVar aggregate classification (germline): Uncertain significance (1 of 4 stars; one submission).

Conditions:
Renal cell carcinoma. Identifiers: Orphanet 217071, MedGen C0007134, MeSH D002292, MONDO:0005086, HP:0005584.

Submission:

Labcorp Genetics (formerly Invitae), Labcorp
Classification: Uncertain significance for Renal cell carcinoma. Last evaluated: 2020-11-30. Review status: criteria provided, single submitter. Criteria: Invitae Variant Classification Sherloc (09022015). Collection method: clinical testing. Allele origin: germline.
Comment: Algorithms developed to predict the effect of missense changes on protein structure and function are either unavailable or do not agree on the potential impact of this missense change (SIFT: "Tolerated"; PolyPhen-2: "Probably Damaging"; Align-GVGD: "Class C0"). In summary, the available evidence is currently insufficient to determine the role of this variant in disease. Therefore, it has been classified as a Variant of Uncertain Significance. This variant has not been reported in the literature in individuals with MET-related conditions. This variant is not present in population databases (ExAC no frequency). This sequence change replaces serine with asparagine at codon 1167 of the MET protein (p.Ser1167Asn). The serine residue is moderately conserved and there is a small physicochemical difference between serine and asparagine.

NM_000245.4(MET):c.3446G>A (p.Ser1149Asn)

Gene: MET (MET proto-oncogene, receptor tyrosine kinase; plus strand). Cytogenetic location: 7q31.2.
Variant type: single nucleotide variant.
Coding change: c.3446G>A on transcript NM_000245.4 (MANE Select); coding-DNA position 3446, G replaced by A.
Protein change: p.Ser1149Asn; replaces serine 1149 with asparagine.
Molecular consequence: missense variant.
Genome position (GRCh38, 1-based): chr7:116,778,881, G>A. VCF-style: chr7-116778881-G-A. GRCh37 (hg19) VCF-style: chr7-116418935-G-A.
Other names: c.3500G>A, p.Ser1167Asn (NM_001127500.3); c.2156G>A, p.Ser719Asn (NM_001324402.2); short protein forms S1149N, S719N, S1167N.
Identifiers: ClinVar variation 1408060 (VCV001408060.8), dbSNP rs1795071435, ClinGen allele CA368990168.